The following is an entry in ClinVar:

ClinVar aggregate classification (germline): Benign/Likely benign. Review status: criteria provided, multiple submitters, no conflicts (2 of 4 stars). 4 submissions from 4 submitters: Benign (2); Likely benign (1). 1 of the submissions does not count toward it. Last evaluated 2025-11-01.

Conditions:
Hemorrhage, intracerebral, susceptibility to (ICH). Also called: Stroke, hemorrhagic, susceptibility to. Identifiers: MedGen C3281105, MONDO:0100533, OMIM 614519.
Microvascular complications of diabetes, susceptibility to, 3. Identifiers: MedGen C2675470, MONDO:0012963, OMIM 612624.
Renal tubular dysgenesis of genetic origin. Also called: PRIMITIVE RENAL TUBULE SYNDROME. Identifiers: Orphanet 97369, MedGen C5681536, MONDO:0009970, OMIM 267430.
ACE-related disorder. Also called: ACE-related condition; ACE-related disorders.
Renal tubular dysgenesis. Also called: Renotubular dysgenesis. Identifiers: Orphanet 3033, MedGen C0266313, MONDO:0017609, HP:0008660.

Allele frequency attached by ClinVar (database versions not stated): 1000 Genomes Project 30x 0.00187; 1000 Genomes Project 0.00240; gnomAD exomes 0.00078; ExAC 0.00100; gnomAD 0.00316 and 0.00293; TOPMed 0.00308; ESP Exome Variant Server 0.00369.
gnomAD v4.1: 917 of 1,614,008 alleles (0.057%); highest among the groups gnomAD compares: African/African-American, 0.98%; 7 homozygotes.

Submissions (4):

Labcorp Genetics (formerly Invitae), Labcorp
Classification: Benign. Last evaluated: 2025-11-01. Review status: criteria provided, single submitter. Criteria: Invitae Variant Classification Sherloc (09022015). Collection method: clinical testing. Allele origin: germline.

Fulgent Genetics
Classification: Likely benign for Renal tubular dysgenesis of genetic origin; Microvascular complications of diabetes, susceptibility to, 3; Hemorrhage, intracerebral, susceptibility to. Last evaluated: 2022-05-05. Review status: criteria provided, single submitter. Criteria: ACMG Guidelines, 2015. Collection method: clinical testing. Allele origin: unknown.

Illumina Laboratory Services, Illumina
Classification: Benign for Renal tubular dysgenesis of genetic origin. Last evaluated: 2017-04-27. Review status: criteria provided, single submitter. Criteria: ICSL Variant Classification Criteria 13 December 2019. Collection method: clinical testing. Allele origin: germline.
Comment: This variant was observed as part of a predisposition screen in an ostensibly healthy population. A literature search was performed for the gene, cDNA change, and amino acid change (where applicable). Publications were found based on this search. The evidence from the literature, in combination with allele frequency data from public databases where available, was sufficient to rule this variant out of causing disease. Therefore, this variant is classified as benign.

PreventionGenetics, part of Exact Sciences
Classification: Benign for ACE-related condition. Last evaluated: 2019-06-20. Review status: no assertion criteria provided. Collection method: clinical testing. Allele origin: germline. Not counted in ClinVar's aggregate classification.
Comment: This variant is classified as benign based on ACMG/AMP sequence variant interpretation guidelines (Richards et al. 2015 PMID: 25741868, with internal and published modifications).

Literature cited by the submitters: PubMed 21471972 (cited by Illumina Laboratory Services, Illumina); PubMed 20093180 (cited by Illumina Laboratory Services, Illumina).

NM_000789.4(ACE):c.1681C>T (p.Arg561Trp)

Gene: ACE (angiotensin I converting enzyme; plus strand). Cytogenetic location: 17q23.3.
Variant type: single nucleotide variant.
Coding change: c.1681C>T on transcript NM_000789.4 (MANE Select); coding-DNA position 1681, C replaced by T.
Protein change: p.Arg561Trp; replaces arginine 561 with tryptophan.
Molecular consequence: missense variant.
Genome position (GRCh38, 1-based): chr17:63,483,943, C>T. VCF-style: chr17-63483943-C-T. GRCh37 (hg19) VCF-style: chr17-61561304-C-T.
Other names: short protein forms R561W.
Identifiers: ClinVar variation 890532 (VCV000890532.15), dbSNP rs4314, ClinGen allele CA8699652.